The following is an entry in ClinVar:

NM_001170629.2(CHD8):c.3308-1G>C

Gene: CHD8 (chromodomain helicase DNA binding protein 8; minus strand). Cytogenetic location: 14q11.2.
Variant type: single nucleotide variant.
Coding change: c.3308-1G>C on transcript NM_001170629.2 (MANE Select); the canonical splice acceptor site of the intron before coding-DNA position 3308, G replaced by C.
Molecular consequence: splice acceptor variant.
Genome position (GRCh38, 1-based): chr14:21,403,664, C>G on the plus strand (G>C on the coding strand, the complement: CHD8 is on the minus strand). VCF-style: chr14-21403664-C-G. GRCh37 (hg19) VCF-style: chr14-21871823-C-G.
Other names: c.2471-1G>C (NM_020920.4).
Identifiers: ClinVar variation 1064594 (VCV001064594.3), dbSNP rs1888129073, ClinGen allele CA388901591.
Genomic context (GRCh38, chr14:21,403,664, plus strand): 5'-AGTCATGAGGTATAATATGGCAAGCTTCACGGAATTCTGTTAGGATTTTTTCTTCAGCAC[C>G]TGCCAAAAGAAAAATCAAATTATGTTGAGATCCAGTGAACCATATTAAGGTTGTAGTCTA-3'

ClinVar aggregate classification (germline): Pathogenic (1 of 4 stars; one submission).

Conditions:
Intellectual developmental disorder with autism and macrocephaly. Also called: Autism, susceptibility to, 18; CHD8-Related Neurodevelopmental Disorder with Overgrowth. Identifiers: Orphanet 642675, MedGen C3554373, MONDO:0014017, OMIM 615032.

Submission:

Kids Neuroscience Centre, Sydney Children's Hospitals Network
Classification: Pathogenic for Intellectual developmental disorder with autism and macrocephaly. Review status: criteria provided, single submitter. Criteria: Bournazos AM et al. (Genet Med 2021). Collection method: clinical testing. Allele origin: unknown. Inheritance: Autosomal dominant inheritance. Affected: yes. Observed: 1 heterozygote.
Comment: mRNA studies confirm the c.3308-1G>C variant induces abnormal splicing of CHD8 transcripts in mRNA derived from blood. We detect two abnormal splicing events: (1) Use of a cryptic 3’-splice site within intron 15 (r.3307_3308ins[3308-66_3308-1;g>c]; p.(Gly1103Valfs*3)), (2) Use of a cryptic 3’-splice site within exon 16 (r.3308_3379del; p.(Ala1104Hisfs*12)) Both events induce a frameshift and encode a premature termination codon. These transcripts are predicted to be targeted by nonsense-mediated decay (NMD). Any mis-spliced CHD8 transcripts that escape NMD encode CHD8 protein lacking 1,477 amino acids from the C-terminus, removing the C-terminal helicase and BRK domains. Frameshift and nonsense variants in CHD8 are commonly reported in ClinVar as pathogenic variants. Therefore, use of the cryptic 3’-splice sites induced by the c.3308-1G>C variant, inducing a frameshift, is consistent with the known pathogenetic mechanism in CHD8 related intellectual disability.